The following is an entry in ClinVar:

NM_001290060.2(SEMA3B):c.81C>G (p.Ser27Arg)

Gene: SEMA3B (semaphorin 3B; plus strand). Cytogenetic location: 3p21.31.
Variant type: single nucleotide variant.
Coding change: c.81C>G on transcript NM_001290060.2 (MANE Select); coding-DNA position 81, C replaced by G.
Protein change: p.Ser27Arg; replaces serine 27 with arginine.
Molecular consequence: missense variant.
Genome position (GRCh38, 1-based): chr3:50,269,321, C>G. VCF-style: chr3-50269321-C-G. GRCh37 (hg19) VCF-style: chr3-50306753-C-G.
Other names: c.81C>G, p.Ser27Arg (NM_001005914.3, NM_001290061.1, NM_004636.4); short protein forms S27R.
Identifiers: ClinVar variation 3357064 (VCV003357064.1).

ClinVar aggregate classification (germline): Likely benign (0 of 4 stars; one submission).

Conditions:
SEMA3B-related disorder. Also called: SEMA3B-related condition.

gnomAD v4.1: 271 of 1,515,664 alleles (0.018%); highest among the groups gnomAD compares: Non-Finnish European, 0.022%; no homozygotes.

Submission:

PreventionGenetics, part of Exact Sciences
Classification: Likely benign for SEMA3B-related condition. Last evaluated: 2024-01-22. Review status: no assertion criteria provided. Collection method: clinical testing. Allele origin: germline.
Comment: This variant is classified as likely benign based on ACMG/AMP sequence variant interpretation guidelines (Richards et al. 2015 PMID: 25741868, with internal and published modifications).